The following is an entry in ClinVar:

NM_000260.4(MYO7A):c.5063C>T (p.Pro1688Leu)

Gene: MYO7A (myosin VIIA; plus strand). Cytogenetic location: 11q13.5.
Variant type: single nucleotide variant.
Coding change: c.5063C>T on transcript NM_000260.4 (MANE Select); coding-DNA position 5063, C replaced by T.
Protein change: p.Pro1688Leu; replaces proline 1688 with leucine.
Molecular consequence: missense variant.
Genome position (GRCh38, 1-based): chr11:77,202,319, C>T. VCF-style: chr11-77202319-C-T. GRCh37 (hg19) VCF-style: chr11-76913364-C-T.
Other names: c.4949C>T, p.Pro1650Leu (NM_001127180.2); c.4916C>T, p.Pro1639Leu (NM_001369365.1); short protein forms P1650L, P1688L, P1639L.
Identifiers: ClinVar variation 1395566 (VCV001395566.6), dbSNP rs996742953, ClinGen allele CA224852286.

ClinVar aggregate classification (germline): Uncertain significance (1 of 4 stars; one submission).

Allele frequency attached by ClinVar (database versions not stated): gnomAD 0.00001.

Submission:

Labcorp Genetics (formerly Invitae), Labcorp
Classification: Uncertain significance. Last evaluated: 2022-02-01. Review status: criteria provided, single submitter. Criteria: Invitae Variant Classification Sherloc (09022015). Collection method: clinical testing. Allele origin: germline.
Comment: This sequence change replaces proline, which is neutral and non-polar, with leucine, which is neutral and non-polar, at codon 1688 of the MYO7A protein (p.Pro1688Leu). This variant is not present in population databases (gnomAD no frequency). This variant has not been reported in the literature in individuals affected with MYO7A-related conditions. Advanced modeling of protein sequence and biophysical properties (such as structural, functional, and spatial information, amino acid conservation, physicochemical variation, residue mobility, and thermodynamic stability) performed at Invitae indicates that this missense variant is expected to disrupt MYO7A protein function. In summary, the available evidence is currently insufficient to determine the role of this variant in disease. Therefore, it has been classified as a Variant of Uncertain Significance.